The following is an entry in ClinVar:

ClinVar aggregate classification (germline): Uncertain significance (1 of 4 stars; one submission).

Conditions:
Agammaglobulinemia 7, autosomal recessive (AGM7). Also called: AGAMMAGLOBULINEMIA, AUTOSOMAL RECESSIVE, DUE TO PIK3R1 DEFECT. Identifiers: MedGen C3554689, MONDO:0014083, OMIM 615214.
Immunodeficiency 36 with lymphoproliferation. Also called: Immunodeficiency 36; ACTIVATED PI3K-DELTA SYNDROME 2; Activated PI3K Delta Syndrome Type 2 (APDS2). Identifiers: Orphanet 397596, Orphanet 693681, MedGen C4014934, MONDO:0014453, OMIM 616005.
SHORT syndrome. Also called: SHORT STATURE, HYPEREXTENSIBILITY, HERNIA, OCULAR DEPRESSION, RIEGER ANOMALY, AND TEETHING DELAY; LIPODYSTROPHY, PARTIAL, WITH RIEGER ANOMALY AND SHORT STATURE; PIK3R1-Related SHORT Syndrome. Identifiers: Orphanet 3163, MedGen C0878684, MONDO:0010026, OMIM 269880.

Submission:

Labcorp Genetics (formerly Invitae), Labcorp
Classification: Uncertain significance for SHORT syndrome; Immunodeficiency 36 with lymphoproliferation; Agammaglobulinemia 7, autosomal recessive. Last evaluated: 2024-06-30. Review status: criteria provided, single submitter. Criteria: Invitae Variant Classification Sherloc (09022015). Collection method: clinical testing. Allele origin: germline.
Comment: This sequence change replaces glutamine, which is neutral and polar, with leucine, which is neutral and non-polar, at codon 302 of the PIK3R1 protein (p.Gln302Leu). This variant is not present in population databases (gnomAD no frequency). This variant has not been reported in the literature in individuals affected with PIK3R1-related conditions. Advanced modeling of protein sequence and biophysical properties (such as structural, functional, and spatial information, amino acid conservation, physicochemical variation, residue mobility, and thermodynamic stability) performed at Invitae indicates that this missense variant is not expected to disrupt PIK3R1 protein function with a negative predictive value of 80%. In summary, the available evidence is currently insufficient to determine the role of this variant in disease. Therefore, it has been classified as a Variant of Uncertain Significance.

NM_181523.3(PIK3R1):c.905A>T (p.Gln302Leu)

Gene: PIK3R1 (phosphoinositide-3-kinase regulatory subunit 1; plus strand). Cytogenetic location: 5q13.1.
Variant type: single nucleotide variant.
Coding change: c.905A>T on transcript NM_181523.3 (MANE Select); coding-DNA position 905, A replaced by T.
Protein change: p.Gln302Leu; replaces glutamine 302 with leucine.
Molecular consequence: missense variant.
Genome position (GRCh38, 1-based): chr5:68,280,995, A>T. VCF-style: chr5-68280995-A-T. GRCh37 (hg19) VCF-style: chr5-67576823-A-T.
Other names: short protein forms Q302L.
Identifiers: ClinVar variation 3757072 (VCV003757072.2).